The following is an entry in ClinVar:

ClinVar aggregate classification (germline): Uncertain significance (1 of 4 stars; one submission).

Submission:

Labcorp Genetics (formerly Invitae), Labcorp
Classification: Uncertain significance. Last evaluated: 2020-07-02. Review status: criteria provided, single submitter. Criteria: Invitae Variant Classification Sherloc (09022015). Collection method: clinical testing. Allele origin: germline.
Comment: Algorithms developed to predict the effect of sequence changes on RNA splicing suggest that this variant may create or strengthen a splice site, but this prediction has not been confirmed by published transcriptional studies. Algorithms developed to predict the effect of missense changes on protein structure and function are either unavailable or do not agree on the potential impact of this missense change (SIFT: "Deleterious"; PolyPhen-2: "Benign"; Align-GVGD: "Class C0"). This variant has not been reported in the literature in individuals with SCN3A-related conditions. This variant is not present in population databases (ExAC no frequency). This sequence change replaces aspartic acid with valine at codon 322 of the SCN3A protein (p.Asp322Val). The aspartic acid residue is weakly conserved and there is a large physicochemical difference between aspartic acid and valine. In summary, the available evidence is currently insufficient to determine the role of this variant in disease. Therefore, it has been classified as a Variant of Uncertain Significance.

NM_006922.4(SCN3A):c.965A>T (p.Asp322Val)

Gene: SCN3A (sodium voltage-gated channel alpha subunit 3; minus strand). Cytogenetic location: 2q24.3.
Variant type: single nucleotide variant.
Coding change: c.965A>T on transcript NM_006922.4 (MANE Select); coding-DNA position 965, A replaced by T.
Protein change: p.Asp322Val; replaces aspartic acid 322 with valine.
Molecular consequence: missense variant.
Genome position (GRCh38, 1-based): chr2:165,162,558, T>A on the plus strand (A>T on the coding strand, the complement: SCN3A is on the minus strand). VCF-style: chr2-165162558-T-A. GRCh37 (hg19) VCF-style: chr2-166019068-T-A.
Other names: c.965A>T, p.Asp322Val (NM_001081676.2, NM_001081677.2); short protein forms D322V.
Identifiers: ClinVar variation 1010193 (VCV001010193.8), dbSNP rs1689474402, ClinGen allele CA349238846.